The following is an entry in ClinVar:

ClinVar aggregate classification (germline): Uncertain significance. Review status: criteria provided, multiple submitters, no conflicts (2 of 4 stars). 2 submissions from 2 submitters: Uncertain significance (2). Last evaluated 2026-08-31.

Conditions:
CEP290-related disorder. Also called: CEP290-related condition; CEP290-related disorders. Identifiers: MedGen CN239314.
Joubert syndrome. Also called: Familial aplasia of the vermis; JOUBERT-BOLTSHAUSER SYNDROME. Identifiers: Orphanet 475, MedGen C5979921, MONDO:0018772.
Nephronophthisis. Also called: Juvenile Nephronophthisis. Identifiers: Orphanet 655, MedGen C0687120, MONDO:0019005, HP:0000090.
Meckel-Gruber syndrome. Also called: Dysencephalia splachnocystica; GRUBER SYNDROME; DYSENCEPHALIA SPLANCHNOCYSTICA. Identifiers: Orphanet 564, MedGen C0265215, MONDO:0018921.

Allele frequency attached by ClinVar (database versions not stated): gnomAD exomes 0.00001; ExAC 0.00004.
gnomAD v4.1: 10 of 1,513,322 alleles (0.00066%); highest among the groups gnomAD compares: South Asian, 0.0026%; no homozygotes.

Submissions (2):

PreventionGenetics, part of Exact Sciences
Classification: Uncertain significance for CEP290-related condition. Last evaluated: 2026-08-31. Review status: criteria provided, single submitter. Criteria: ACMG Guidelines, 2015. Collection method: clinical testing. Allele origin: germline.
Comment: The CEP290 c.1430G>A variant is predicted to result in the amino acid substitution p.Arg477Gln. To our knowledge, this variant has not been reported in the literature. This variant is reported in 0.0016% of alleles in individuals of European (Non-Finnish) descent in gnomAD. At this time, the clinical significance of this variant is uncertain due to the absence of conclusive functional and genetic evidence.

Labcorp Genetics (formerly Invitae), Labcorp
Classification: Uncertain significance for Joubert syndrome; Meckel-Gruber syndrome; Nephronophthisis. Last evaluated: 2021-09-17. Review status: criteria provided, single submitter. Criteria: Invitae Variant Classification Sherloc (09022015). Collection method: clinical testing. Allele origin: germline.
Comment: This sequence change replaces arginine with glutamine at codon 477 of the CEP290 protein (p.Arg477Gln). The arginine residue is weakly conserved and there is a small physicochemical difference between arginine and glutamine. This variant is present in population databases (rs748917889, ExAC 0.009%). This variant has not been reported in the literature in individuals with CEP290-related conditions. Algorithms developed to predict the effect of missense changes on protein structure and function output the following: SIFT: "Tolerated"; PolyPhen-2: "Benign"; Align-GVGD: "Class C0". The glutamine amino acid residue is found in multiple mammalian species, suggesting that this missense change does not adversely affect protein function. These predictions have not been confirmed by published functional studies and their clinical significance is uncertain. In summary, the available evidence is currently insufficient to determine the role of this variant in disease. Therefore, it has been classified as a Variant of Uncertain Significance.

NM_025114.4(CEP290):c.1430G>A (p.Arg477Gln)

Gene: CEP290 (centrosomal protein 290; minus strand). Cytogenetic location: 12q21.32.
Variant type: single nucleotide variant.
Coding change: c.1430G>A on transcript NM_025114.4 (MANE Select); coding-DNA position 1430, G replaced by A.
Protein change: p.Arg477Gln; replaces arginine 477 with glutamine.
Molecular consequence: missense variant.
Genome position (GRCh38, 1-based): chr12:88,120,206, C>T on the plus strand (G>A on the coding strand, the complement: CEP290 is on the minus strand). VCF-style: chr12-88120206-C-T. GRCh37 (hg19) VCF-style: chr12-88513983-C-T.
Other names: c.1430G>A (NM_025114.3); short protein forms R477Q.
Identifiers: ClinVar variation 1357996 (VCV001357996.6), dbSNP rs748917889, ClinGen allele CA6712555.
Genomic context (GRCh38, chr12:88,120,206, plus strand): 5'-AGGAAATCACTGATCTTCAATTCAAGTTTATTGATTTCCTTTGTTAATATTTCAATCTCT[C>T]GATCTCTTATTTTAATTTGGTTTTTACAATTCTTTATTTCAACGACAGCATCTTCTAAAC-3'
Protein context (NP_079390.3, residues 467-487): NCKNQIKIRD[Arg477Gln]EIEILTKEIN